The following is an entry in ClinVar:

NM_002900.3(RBP3):c.844G>A (p.Val282Met)

Gene: RBP3 (retinol binding protein 3; plus strand). Cytogenetic location: 10q11.22.
Variant type: single nucleotide variant.
Coding change: c.844G>A on transcript NM_002900.3 (MANE Select); coding-DNA position 844, G replaced by A.
Protein change: p.Val282Met; replaces valine 282 with methionine.
Molecular consequence: missense variant.
Genome position (GRCh38, 1-based): chr10:47,349,328, G>A. VCF-style: chr10-47349328-G-A. GRCh37 (hg19) VCF-style: chr10-48390034-C-T.
Other names: short protein forms V282M.
Identifiers: ClinVar variation 208298 (VCV000208298.41), dbSNP rs782095820, ClinGen allele CA350990.

ClinVar aggregate classification (germline): Uncertain significance. Review status: criteria provided, multiple submitters, no conflicts (2 of 4 stars). 3 submissions from 3 submitters: Uncertain significance (2). 1 of the submissions does not count toward it. Last evaluated 2022-04-04.

Conditions:
Retinitis pigmentosa 66 (RP66). Identifiers: Orphanet 791, MedGen C3715216, MONDO:0014093, OMIM 615233.

Allele frequency attached by ClinVar (database versions not stated): ExAC 0.00002; gnomAD exomes 0.00003 and 0.00005; TOPMed 0.00005; gnomAD 0.00006.

Submissions (3):

Labcorp Genetics (formerly Invitae), Labcorp
Classification: Uncertain significance. Last evaluated: 2022-04-04. Review status: criteria provided, single submitter. Criteria: Invitae Variant Classification Sherloc (09022015). Collection method: clinical testing. Allele origin: germline.
Comment: In summary, the available evidence is currently insufficient to determine the role of this variant in disease. Therefore, it has been classified as a Variant of Uncertain Significance. Algorithms developed to predict the effect of missense changes on protein structure and function are either unavailable or do not agree on the potential impact of this missense change (SIFT: "Deleterious"; PolyPhen-2: "Probably Damaging"; Align-GVGD: "Class C0"). ClinVar contains an entry for this variant (Variation ID: 208298). This variant has not been reported in the literature in individuals affected with RBP3-related conditions. This variant is present in population databases (rs782095820, gnomAD 0.01%). This sequence change replaces valine, which is neutral and non-polar, with methionine, which is neutral and non-polar, at codon 282 of the RBP3 protein (p.Val282Met).

CeGaT Center for Human Genetics Tuebingen
Classification: Uncertain significance. Last evaluated: 2022-01-01. Review status: criteria provided, single submitter. Criteria: CeGaT Center For Human Genetics Tuebingen Variant Classification Criteria Version 2. Collection method: clinical testing. Allele origin: germline. Affected: yes. Observed: 1 variant allele.

ClinVar Staff, National Center for Biotechnology Information (NCBI)
Classification: Uncertain significance for Retinitis pigmentosa 66. Last evaluated: 2013-06-27. Review status: no assertion criteria provided. Collection method: literature only. Allele origin: germline. Affected: yes. Not counted in ClinVar's aggregate classification.

Literature cited by the submitters: PubMed 19074801 (cited by ClinVar Staff, National Center for Biotechnology Information (NCBI)).